The following is an entry in ClinVar:

ClinVar aggregate classification (germline): Pathogenic (1 of 4 stars; one submission).

Conditions:
Coffin-Siris syndrome 1 (CSS1). Also called: Mental retardation, autosomal dominant 12; ARID1B-Related Coffin-Siris Syndrome. Identifiers: Orphanet 1465, MedGen C3281201, MONDO:0007617, OMIM 135900. Disease mechanism: gain of function.

Submission:

Institute of Human Genetics, University of Leipzig Medical Center
Classification: Pathogenic for Coffin-Siris syndrome 1. Last evaluated: 2025-05-21. Review status: criteria provided, single submitter. Criteria: ACMG Guidelines, 2015. Collection method: clinical testing. Allele origin: unknown. Inheritance: Autosomal dominant inheritance. Affected: yes.
Comment: Criteria applied: PVS1,PM2

NM_001374828.1(ARID1B):c.2897del (p.Leu966fs)

Gene: ARID1B (AT-rich interaction domain 1B; plus strand). Cytogenetic location: 6q25.3.
Variant type: Deletion.
Coding change: c.2897del on transcript NM_001374828.1 (MANE Select); coding-DNA position 2897, one base deleted (T; older notation c.2897delT).
Protein change: p.Leu966fs; shifts the reading frame from leucine 966.
Molecular consequence: frameshift variant.
Genome position (GRCh38, 1-based): chr6:157,148,759, T deleted. VCF-style (leftmost placement, unchanged base first): chr6-157148758-CT-C. GRCh37 (hg19) VCF-style: chr6-157469892-CT-C.
Other names: c.398del, p.Leu133fs (NM_001363725.2); c.2936del, p.Leu979fs (NM_001371656.1, NM_001374820.1); c.2897del, p.Leu966fs (NM_017519.3); short protein forms L133fs, L966fs, L979fs.
Identifiers: ClinVar variation 3901165 (VCV003901165.1).